The following is an entry in ClinVar:

ClinVar aggregate classification (germline): Benign. Review status: criteria provided, multiple submitters, no conflicts (2 of 4 stars). 2 submissions from 2 submitters: Benign (2). Last evaluated 2018-01-13.

Conditions:
Mitochondrial complex V (ATP synthase) deficiency, nuclear type 2. Also called: Nuclear-Encoded ATPase Deficiency, TMEM70-Related; ENCEPHALOCARDIOMYOPATHY, MITOCHONDRIAL, NEONATAL, DUE TO ATP SYNTHASE DEFICIENCY; MITOCHONDRIAL COMPLEX V (ATP SYNTHASE) DEFICIENCY, TMEM70 TYPE. Identifiers: Orphanet 1194, MedGen C3279699, MONDO:0013546, OMIM 614052.

Allele frequency attached by ClinVar (database versions not stated): 1000 Genomes Project 30x 0.21424; 1000 Genomes Project 0.21625; TOPMed 0.23495; gnomAD 0.25319; gnomAD exomes 0.27933.
gnomAD v4.1: 165,412 of 611,640 alleles (27%); highest among the groups gnomAD compares: South Asian, 32%; 23,877 homozygotes.

Submissions (2):

Illumina Laboratory Services, Illumina
Classification: Benign for Mitochondrial complex V (ATP synthase) deficiency, nuclear type 2. Last evaluated: 2018-01-13. Review status: criteria provided, single submitter. Criteria: ICSL Variant Classification Criteria 13 December 2019. Collection method: clinical testing. Allele origin: germline.
Comment: This variant was observed in the ICSL laboratory as part of a predisposition screen in an ostensibly healthy population. It had not been previously curated by ICSL or reported in the Human Gene Mutation Database (HGMD: prior to June 1st, 2018), and was therefore a candidate for classification through an automated scoring system. Utilizing variant allele frequency, disease prevalence and penetrance estimates, and inheritance mode, an automated score was calculated to assess if this variant is too frequent to cause the disease. Based on the score and internal cut-off values, a variant classified as benign is not then subjected to further curation. The score for this variant resulted in a classification of benign for this disease.

Breakthrough Genomics
Classification: Benign. Review status: criteria provided, single submitter. Criteria: ACMG Guidelines, 2015. Collection method: not provided. Allele origin: germline. Inheritance: Autosomal recessive inheritance. Affected: yes.

NM_017866.6(TMEM70):c.*892A>G

Gene: TMEM70 (transmembrane protein 70; plus strand). Cytogenetic location: 8q21.11.
Variant type: single nucleotide variant.
Coding change: c.*892A>G on transcript NM_017866.6 (MANE Select); 892 bases downstream of the stop codon, A replaced by G.
Molecular consequence: 3 prime UTR variant. On other transcripts: non-coding transcript variant (1).
Genome position (GRCh38, 1-based): chr8:73,982,513, A>G. VCF-style: chr8-73982513-A-G. GRCh37 (hg19) VCF-style: chr8-74894748-A-G.
Other names: c.*1365A>G (NM_001040613.3).
Identifiers: ClinVar variation 363712 (VCV000363712.6), dbSNP rs2291217, ClinGen allele CA4784268.